The following is an entry in ClinVar:

ClinVar aggregate classification (germline): not provided (0 of 4 stars; one submission).

Allele frequency attached by ClinVar (database versions not stated): gnomAD 0.00001 and 0.00003; TOPMed 0.00002; gnomAD exomes 0.00003; ExAC 0.00004; 1000 Genomes Project 30x 0.00031; 1000 Genomes Project 0.00040.
gnomAD v4.1: 18 of 1,613,668 alleles (0.0011%); highest among the groups gnomAD compares: East Asian, 0.04%; no homozygotes.

Submission:

TNNI2 homepage - Leiden Muscular Dystrophy pages
No classification provided. Review status: no classification provided. Collection method: not provided. Allele origin: germline.
Comment: no known functional consequence

NM_003282.4(TNNI2):c.15+21C>G

Gene: TNNI2 (troponin I2, fast skeletal type; plus strand). Cytogenetic location: 11p15.5.
Variant type: single nucleotide variant.
Coding change: c.15+21C>G on transcript NM_003282.4 (MANE Select); 21 bases into the intron after coding-DNA position 15, C replaced by G.
Molecular consequence: intron variant.
Genome position (GRCh38, 1-based): chr11:1,839,876, C>G. VCF-style: chr11-1839876-C-G. GRCh37 (hg19) VCF-style: chr11-1861106-C-G.
Other names: c.15+21C>G (NM_001145829.2).
Identifiers: ClinVar variation 140482 (VCV000140482.1), dbSNP rs2292476, ClinGen allele CA232619.